The following is an entry in ClinVar:

ClinVar aggregate classification (germline): Uncertain significance. Review status: criteria provided, multiple submitters, no conflicts (2 of 4 stars). 2 submissions from 2 submitters: Uncertain significance (2). Last evaluated 2025-01-31.

Conditions:
Inborn genetic diseases. Identifiers: MedGen C0950123, MeSH D030342.

Allele frequency attached by ClinVar (database versions not stated): gnomAD exomes below 0.00001; ExAC 0.00002; TOPMed 0.00003; gnomAD 0.00005; ESP Exome Variant Server 0.00015.
gnomAD v4.1: 13 of 1,614,016 alleles (0.00081%); highest among the groups gnomAD compares: African/African-American, 0.011%; no homozygotes.

Submissions (2):

Ambry Genetics
Classification: Uncertain significance for Inborn genetic diseases. Last evaluated: 2025-01-31. Review status: criteria provided, single submitter. Criteria: Ambry Variant Classification Scheme 2023. Collection method: clinical testing. Allele origin: germline.

Mayo Clinic Laboratories, Mayo Clinic
Classification: Uncertain significance. Last evaluated: 2022-02-11. Review status: criteria provided, single submitter. Criteria: ACMG Guidelines, 2015. Collection method: clinical testing. Allele origin: germline. Observed: 1 variant allele.
Comment: PM2

NM_183075.3(CYP2U1):c.1157T>C (p.Ile386Thr)

Gene: CYP2U1 (cytochrome P450 family 2 subfamily U member 1; plus strand). Cytogenetic location: 4q25.
Variant type: single nucleotide variant.
Coding change: c.1157T>C on transcript NM_183075.3 (MANE Select); coding-DNA position 1157, T replaced by C.
Protein change: p.Ile386Thr; replaces isoleucine 386 with threonine.
Molecular consequence: missense variant.
Genome position (GRCh38, 1-based): chr4:107,947,406, T>C. VCF-style: chr4-107947406-T-C. GRCh37 (hg19) VCF-style: chr4-108868562-T-C.
Other names: p.Ile386Thr; short protein forms I386T.
Identifiers: ClinVar variation 2682866 (VCV002682866.2), dbSNP rs375420146, ClinGen allele CA3037137.